The following is an entry in ClinVar:

ClinVar aggregate classification (germline): Likely benign (1 of 4 stars; one submission).

Submission:

GeneDx
Classification: Likely benign. Last evaluated: 2017-09-18. Review status: criteria provided, single submitter. Criteria: GeneDx Variant Classification (06012015). Collection method: clinical testing. Allele origin: germline. Affected: yes.
Comment: This variant is considered likely benign or benign based on one or more of the following criteria: it is a conservative change, it occurs at a poorly conserved position in the protein, it is predicted to be benign by multiple in silico algorithms, and/or has population frequency not consistent with disease.

NM_000214.3(JAG1):c.-75_-61dup

Gene: JAG1 (jagged canonical Notch ligand 1; minus strand). Cytogenetic location: 20p12.2.
Variant type: Duplication.
Coding change: c.-75_-61dup on transcript NM_000214.3 (MANE Select); 75 bases upstream of the start codon through 61 bases upstream of the start codon, 15 bases duplicated (ACGGCAGCACCGGCG).
Molecular consequence: 5 prime UTR variant.
Genome position (GRCh38, 1-based): chr20:10,673,591-10,673,605, CGCCGGTGCTGCCGT duplicated on the plus strand (ACGGCAGCACCGGCG on the coding strand, the reverse complement: JAG1 is on the minus strand); duplicating any 15 consecutive bases within chr20:10,673,591-10,673,610 gives the same sequence; the c. name uses the placement nearest the transcript's 3' end. VCF-style (leftmost placement, unchanged base first): chr20-10673590-C-CCGCCGGTGCTGCCGT. GRCh37 (hg19) VCF-style: chr20-10654238-C-CCGCCGGTGCTGCCGT.
Other names: c.-75_-61dup (LRG_1191t1).
Identifiers: ClinVar variation 512320 (VCV000512320.1), dbSNP rs1555831023, ClinGen allele CA658799344.